The following is an entry in ClinVar:

ClinVar aggregate classification (germline): Uncertain significance. Review status: criteria provided, multiple submitters, no conflicts (2 of 4 stars). 2 submissions from 2 submitters: Uncertain significance (2). Last evaluated 2025-08-11.

Submissions (2):

GeneDx
Classification: Uncertain significance. Last evaluated: 2025-08-11. Review status: criteria provided, single submitter. Criteria: GeneDx Variant Classification Process June 2021. Collection method: clinical testing. Allele origin: germline.
Comment: In-frame deletion of 3 amino acids and insertion of 1 amino acid in a non-repeat region; Not observed at significant frequency in large population cohorts (gnomAD); Has not been previously published as pathogenic or benign to our knowledge; This variant is associated with the following publications: (PMID: 23975875)

Athena Diagnostics
Classification: Uncertain significance. Last evaluated: 2024-11-07. Review status: criteria provided, single submitter. Criteria: Athena Diagnostics Criteria. Collection method: clinical testing. Allele origin: unknown.

NM_001267550.2(TTN):c.107365_107371delinsA (p.Leu35789_Val35791delinsIle)

Genes: TTN-AS1 (TTN antisense RNA 1; plus strand), TTN (titin; minus strand). Cytogenetic location: 2q31.2.
Variant type: Indel.
Coding change: c.107365_107371delinsA on transcript NM_001267550.2 (MANE Select); coding-DNA positions 107365 to 107371, TTAATGG replaced by A.
Protein change: p.Leu35789_Val35791delinsIle.
Molecular consequence: inframe indel.
Genome position (GRCh38, 1-based): chr2:178,528,280-178,528,286, CCATTAA replaced by T on the plus strand (TTAATGG replaced by A on the coding strand, the reverse complement: TTN is on the minus strand). VCF-style: chr2-178528280-CCATTAA-T. GRCh37 (hg19) VCF-style: chr2-179393007-CCATTAA-T.
Other names: c.102442_102448delinsA, p.Leu34148_Val34150delinsIle (NM_001256850.1); c.107365_107371delTTAATGGinsA, p.Leu35789_Val35791delinsIle (NM_001267550.1); c.80170_80176delinsA, p.Leu26724_Val26726delinsIle (NM_003319.4); c.99661_99667delinsA, p.Leu33221_Val33223delinsIle (NM_133378.4); c.80545_80551delinsA, p.Leu26849_Val26851delinsIle (NM_133432.3); c.80746_80752delinsA, p.Leu26916_Val26918delinsIle (NM_133437.4).
Identifiers: ClinVar variation 2684086 (VCV002684086.4), dbSNP rs2468280550, ClinGen allele CA2697551387.
Genomic context (GRCh38, chr2:178,528,280, plus strand): 5'-AAAACGATCTAAAGGCCTTAAACATGTAAGGAAGAAGGGTGAGGAGATACTTACGAAGGA[CCATTAA>T]GGAAGCTGTAGCTGAACACTGGCCACGGAAATTTTTGGCCTTAATTGTGTACTTTCCACT-3'